The following is an entry in ClinVar:

ClinVar aggregate classification (germline): Conflicting classifications of pathogenicity. Review status: criteria provided, conflicting classifications (1 of 4 stars). 13 submissions from 13 submitters: Uncertain significance (4); Likely benign (7). 2 of the submissions do not count toward it. Last evaluated 2026-02-02.

Conditions:
BARD1-related disorder. Also called: BARD1-related condition.
BARD1-related cancer predisposition. Identifiers: MedGen CN377756, MONDO:0700267.
Familial pancreatic carcinoma. Identifiers: Orphanet 1333, MedGen C2931038, MONDO:0015278, OMIM 260350.
Hereditary cancer-predisposing syndrome. Also called: Tumor predisposition; Neoplastic Syndromes, Hereditary; Hereditary Cancer Syndrome; Hereditary neoplastic syndrome. Identifiers: Orphanet 140162, MedGen C0027672, MeSH D009386, MONDO:0015356.
Familial cancer of breast. Also called: hereditary breast carcinoma; BREAST CANCER, FAMILIAL; Hereditary breast cancer. Identifiers: Orphanet 227535, MedGen C0346153, MONDO:0016419, OMIM 114480. Disease mechanism: loss of function.

Allele frequency attached by ClinVar (database versions not stated): TOPMed 0.00001; gnomAD exomes 0.00003 and 0.00014; gnomAD 0.00006; ExAC 0.00017.
gnomAD v4.1: 54 of 1,613,180 alleles (0.0033%); highest among the groups gnomAD compares: East Asian, 0.076%; no homozygotes.

Submissions (13):

Labcorp Genetics (formerly Invitae), Labcorp
Classification: Likely benign for Familial cancer of breast. Last evaluated: 2026-02-02. Review status: criteria provided, single submitter. Criteria: Invitae Variant Classification Sherloc (09022015). Collection method: clinical testing. Allele origin: germline.

PreventionGenetics, part of Exact Sciences
Classification: Likely benign for BARD1-related condition. Last evaluated: 2025-05-27. Review status: criteria provided, single submitter. Criteria: ACMG Guidelines, 2015. Collection method: clinical testing. Allele origin: germline.
Comment: This variant is classified as likely benign based on ACMG/AMP sequence variant interpretation guidelines (Richards et al. 2015 PMID: 25741868, with internal and published modifications).

Molecular Pathology, Peter Maccallum Cancer Centre
Classification: Uncertain significance for BARD1-related cancer predisposition. Last evaluated: 2024-05-08. Review status: criteria provided, single submitter. Criteria: ACMG Guidelines, 2015. Collection method: clinical testing. Allele origin: germline. Inheritance: Autosomal dominant inheritance.

CeGaT Center for Human Genetics Tuebingen
Classification: Likely benign. Last evaluated: 2024-02-01. Review status: criteria provided, single submitter. Criteria: CeGaT Center For Human Genetics Tuebingen Variant Classification Criteria Version 2. Collection method: clinical testing. Allele origin: germline. Affected: yes. Observed: 1 variant allele.
Comment: BARD1: PP3, BS1

Myriad Genetics, Inc.
Classification: Likely benign for Familial cancer of breast. Last evaluated: 2023-09-29. Review status: criteria provided, single submitter. Criteria: Myriad Autosomal Dominant, Autosomal Recessive and X-Linked Classification Criteria (2023). Collection method: clinical testing. Allele origin: unknown.
Comment: This variant is considered likely benign. This variant is strongly associated with less severe personal and family histories of cancer, typical for individuals without pathogenic variants in this gene [PMID: 25085752].

GeneDx
Classification: Uncertain significance. Last evaluated: 2023-05-30. Review status: criteria provided, single submitter. Criteria: GeneDx Variant Classification Process June 2021. Collection method: clinical testing. Allele origin: germline. Affected: yes.
Comment: In silico analysis supports a deleterious effect on splicing; In silico analysis supports that this missense variant does not alter protein structure/function; Identified in individuals with breast, ovarian, or colon cancer, and also in unaffected controls (Young et al., 2016; Yurgelun et al., 2017; Kwong et al., 2020; Dorling et al., 2021); This variant is associated with the following publications: (PMID: 25922291, 26787654, 28135145, 33471991, 32068069, 18480049, 31371347)

Mayo Clinic Laboratories, Mayo Clinic
Classification: Uncertain significance. Last evaluated: 2023-01-16. Review status: criteria provided, single submitter. Criteria: ACMG Guidelines, 2015. Collection method: clinical testing. Allele origin: germline. Observed: 1 variant allele.
Comment: PP3

Ambry Genetics
Classification: Likely benign for Hereditary cancer-predisposing syndrome. Last evaluated: 2022-12-12. Review status: criteria provided, single submitter. Criteria: Ambry Variant Classification Scheme 2023. Collection method: clinical testing. Allele origin: germline.

Sema4
Classification: Uncertain significance for Hereditary cancer-predisposing syndrome. Last evaluated: 2021-10-05. Review status: criteria provided, single submitter. Criteria: Sema4 Curation Guidelines. Collection method: curation. Allele origin: germline.
Comment: The BARD1 c.1586G>A (p.R529Q) variant has been reported in at least 5 individuals with breast cancer or colon cancer in the literature (PMID: 28135145, 32068069). It was observed in 38/19952 chromosomes in the East Asian population with 1 homozygote in the large and broad cohorts of the Genome Aggregation Database (PMID: 32461654), and has been reported in ClinVar (Variation ID: 187625). Studies detected this variant in 16/60466 patients with breast cancer versus 15/53461 controls, suggesting that the variant is not significantly enriched in cases compared to controls (PMID: 33471991). In silico tools suggest the impact of the variant on protein function is inconclusive. There is no indication that this variant causes disease, but the evidence is insufficient currently to prove that conclusively. Thus, the clinical significance of this variant is currently uncertain.

Women's Health and Genetics/Laboratory Corporation of America, LabCorp
Classification: Likely benign. Last evaluated: 2021-08-29. Review status: criteria provided, single submitter. Criteria: LabCorp Variant Classification Summary - May 2015. Collection method: clinical testing. Allele origin: germline.
Comment: Variant summary: BARD1 c.1586G>A (p.Arg529Gln) results in a conservative amino acid change in the encoded protein sequence. Four of five in-silico tools predict a benign effect of the variant on protein function. The variant allele was found at a frequency of 0.00014 in 251276 control chromosomes, predominantly at a frequency of 0.0017 within the East Asian subpopulation in the gnomAD database, including 1 homozygotes. The observed variant frequency within East Asian control individuals in the gnomAD database is approximately 7 fold of the estimated maximal expected allele frequency for a pathogenic variant in BARD1 causing Hereditary Breast And Ovarian Cancer Syndrome phenotype (0.00025), strongly suggesting that the variant is a benign polymorphism found primarily in populations of East Asian origin. c.1586G>A has been reported in the literature as a VUS in settings of multigene cancer panel testing among affected individuals (example, Yurgelun_2017, Kwong_2020). These report(s) do not provide unequivocal conclusions about association of the variant with Hereditary Breast And Ovarian Cancer Syndrome. To our knowledge, no experimental evidence demonstrating an impact on protein function has been reported. Six clinical diagnostic laboratories have submitted clinical-significance assessments for this variant to ClinVar after 2014 without evidence for independent evaluation. Multiple laboratories reported the variant with conflicting assessments (likely benign, n=2, VUS, n=4). Based on the evidence outlined above, the variant was classified as likely benign.

Color Diagnostics, LLC DBA Color Health
Classification: Likely benign for Hereditary cancer-predisposing syndrome. Last evaluated: 2021-02-16. Review status: criteria provided, single submitter. Criteria: ACMG Guidelines, 2015. Collection method: clinical testing. Allele origin: germline.

Counsyl
Classification: Uncertain significance for Familial cancer of breast. Last evaluated: 2018-04-06. Review status: no assertion criteria provided. Collection method: clinical testing. Allele origin: unknown. Not counted in ClinVar's aggregate classification.

Department of Pathology and Laboratory Medicine, Sinai Health System
Classification: Uncertain significance for Familial pancreatic carcinoma. Review status: no assertion criteria provided. Collection method: clinical testing. Allele origin: unknown. Affected: yes. Study: The Canadian Open Genetics Repository (COGR). Not counted in ClinVar's aggregate classification.
Comment: The BARD1 p.Arg529Gln variant was identified in 1 of 2116 proband chromosomes (frequency: 0.0005) from individuals or families with colorectal cancer (Yurgelun 2017) and was also identified in a study which included 1297 breast cancer cases and 1121 controls, however the frequency of this variant was not specified (Young 2016). The variant was also identified in dbSNP (ID: rs753479021) as "With Uncertain significance allele", and in ClinVar and Clinvitae (classified as likely benign by Invitae and as uncertain significance by Ambry Genetics, GeneDx, Color and Counsyl). The variant was not identified in the COSMIC or MutDB databases. The variant was identified in control databases in 37 of 276996 chromosomes at a frequency of 0.0001 increasing the likelihood this could be a low frequency benign variant (Genome Aggregation Database Feb 27, 2017). The variant was observed in the following populations: European Non-Finnish in 3 of 126562 chromosomes (freq: 0.00002), East Asian in 34 of 18864 chromosomes (freq: 0.002); it was not observed in the African, Other, Latino, Ashkenazi Jewish, Finnish, and South Asian populations. The variant was observed in the Exome Aggregation Consortium database (August 8th 2016) in the East Asian population in 19 of 8650 chromosomes (freq: 0.002) including 1 homozygous individual. The p.Arg529 residue is conserved in mammals and computational analyses (PolyPhen-2, SIFT, AlignGVGD, BLOSUM, MutationTaster) provide inconsistent predictions regarding the impact to the protein; this information is not very predictive of pathogenicity. The variant occurs outside of the splicing consensus sequence and 3 of 4 in silico or computational prediction software programs (SpliceSiteFinder, MaxEntScan, NNSPLICE, GeneSplicer) predict a greater than 10% difference in splicing. However, this information is not predictive enough to assume pathogenicity. In summary, based on the above information the clinical significance of this variant cannot be determined with certainty at this time. This variant is classified as a variant of uncertain significance.

Literature cited by the submitters: PubMed 25085752 (cited by Myriad Genetics, Inc.); PubMed 28135145 (cited by 4 submitters); PubMed 32068069 (cited by Sema4 and Women's Health and Genetics/Laboratory Corporation of America, LabCorp); PubMed 33471991 (cited by Sema4); PubMed 31371347 (cited by Women's Health and Genetics/Laboratory Corporation of America, LabCorp); PubMed 26787654 (cited by Counsyl).

NM_000465.4(BARD1):c.1586G>A (p.Arg529Gln)

Gene: BARD1 (BRCA1 associated RING domain 1; minus strand). Cytogenetic location: 2q35.
Variant type: single nucleotide variant.
Coding change: c.1586G>A on transcript NM_000465.4 (MANE Select); coding-DNA position 1586, G replaced by A.
Protein change: p.Arg529Gln; replaces arginine 529 with glutamine.
Molecular consequence: missense variant. On other transcripts: non-coding transcript variant (3), intron variant (1).
Genome position (GRCh38, 1-based): chr2:214,752,538, C>T on the plus strand (G>A on the coding strand, the complement: BARD1 is on the minus strand). VCF-style: chr2-214752538-C-T. GRCh37 (hg19) VCF-style: chr2-215617262-C-T.
Other names: p.Arg529Gln; c.1529G>A, p.Arg510Gln (NM_001282543.2); c.233G>A, p.Arg78Gln (NM_001282545.2); c.176G>A, p.Arg59Gln (NM_001282548.2); c.365-22030G>A (NM_001282549.2); short protein forms R529Q, R510Q, R78Q, R59Q.
Identifiers: ClinVar variation 187625 (VCV000187625.68), dbSNP rs753479021, ClinGen allele CA198126.